The following is an entry in ClinVar:

ClinVar aggregate classification (germline): Uncertain significance (1 of 4 stars; one submission).

Conditions:
Cardiovascular phenotype. Identifiers: MedGen CN230736.

Allele frequency attached by ClinVar (database versions not stated): TOPMed below 0.00001; 1000 Genomes Project 30x 0.00016; gnomAD 0.00001.
gnomAD v4.1: 7 of 1,614,102 alleles (0.00043%); highest among the groups gnomAD compares: African/African-American, 0.0027%; no homozygotes.

Submission:

Ambry Genetics
Classification: Uncertain significance for Cardiovascular phenotype. Last evaluated: 2025-04-20. Review status: criteria provided, single submitter. Criteria: Ambry Variant Classification Scheme 2023. Collection method: clinical testing. Allele origin: germline.
Comment: The p.R410C variant (also known as c.1228C>T), located in coding exon 12 of the ANK2 gene, results from a C to T substitution at nucleotide position 1228. The arginine at codon 410 is replaced by cysteine, an amino acid with highly dissimilar properties. This amino acid position is highly conserved in available vertebrate species. In addition, this alteration is predicted to be deleterious by in silico analysis. Since supporting evidence is limited at this time, the clinical significance of this alteration remains unclear.

NM_001148.6(ANK2):c.1228C>T (p.Arg410Cys)

Gene: ANK2 (ankyrin 2; plus strand). Cytogenetic location: 4q26.
Variant type: single nucleotide variant.
Coding change: c.1228C>T on transcript NM_001148.6 (MANE Select); coding-DNA position 1228, C replaced by T.
Protein change: p.Arg410Cys; replaces arginine 410 with cysteine.
Molecular consequence: missense variant. On other transcripts: intron variant (5).
Genome position (GRCh38, 1-based): chr4:113,258,089, C>T. VCF-style: chr4-113258089-C-T. GRCh37 (hg19) VCF-style: chr4-114179245-C-T.
Other names: c.1165C>T, p.Arg389Cys (NM_001127493.3, NM_001354239.2, NM_001354243.2 and 14 more transcripts); c.1228C>T, p.Arg410Cys (NM_001354225.2, NM_001354228.2, NM_001354232.2 and 8 more transcripts); c.1273C>T, p.Arg425Cys (NM_001354230.2, NM_001354231.2, NM_001354237.2 and 5 more transcripts); c.1141C>T, p.Arg381Cys (NM_001354249.2, NM_001354260.2, NM_001354264.2 and 13 more transcripts); c.1186C>T, p.Arg396Cys (NM_001354261.2, NM_001386147.1, NM_001386160.1); c.1216C>T, p.Arg406Cys (NM_001386148.2, NM_001386186.2); c.1279C>T, p.Arg427Cys (NM_001386174.1); c.1255C>T, p.Arg419Cys (NM_001386175.1); and 4 more; short protein forms R406C, R427C, R398C, R381C, R389C, R419C, R396C, R410C.
Identifiers: ClinVar variation 1754805 (VCV001754805.3), dbSNP rs41279311, ClinGen allele CA103807277.